The following is an entry in ClinVar:

ClinVar aggregate classification (germline): Likely benign (1 of 4 stars; one submission).

Submission:

CeGaT Center for Human Genetics Tuebingen
Classification: Likely benign. Last evaluated: 2026-07-01. Review status: criteria provided, single submitter. Criteria: CeGaT Center For Human Genetics Tuebingen Variant Classification Criteria Version 2. Collection method: clinical testing. Allele origin: germline. Affected: yes. Observed: 1 variant allele.
Comment: PDZD8: PM2:Supporting, BP4, BP7

NM_173791.5(PDZD8):c.927G>A (p.Glu309=)

Gene: PDZD8 (PDZ domain containing 8; minus strand). Cytogenetic location: 10q26.11.
Variant type: single nucleotide variant.
Coding change: c.927G>A on transcript NM_173791.5 (MANE Select); coding-DNA position 927, G replaced by A.
Protein change: p.Glu309=; no amino-acid change (glutamic acid 309 retained).
Molecular consequence: synonymous variant.
Genome position (GRCh38, 1-based): chr10:117,341,048, C>T on the plus strand (G>A on the coding strand, the complement: PDZD8 is on the minus strand). VCF-style: chr10-117341048-C-T. GRCh37 (hg19) VCF-style: chr10-119100559-C-T.
Identifiers: ClinVar variation 5039811 (VCV005039811.1).